The following is an entry in ClinVar:

ClinVar aggregate classification (germline): Uncertain significance (1 of 4 stars; one submission).

Conditions:
Familial intrahepatic cholestasis. Identifiers: Orphanet 284385, MedGen CN296401, MONDO:0017290.

Submission:

Genomenon, Inc
Classification: Uncertain significance for Familial intrahepatic cholestasis. Last evaluated: 2026-04-14. Review status: criteria provided, single submitter. Criteria: Genomenon Sequence Variant Interpretation Standards - Updated. Collection method: curation. Allele origin: germline. Affected: yes.
Comment: ABCB11 p.Pro77Ala (c.229C>G) is a missense variant that changes the amino acid at residue 77 from Proline to Alanine. This variant has been observed in at least one proband with an ABCB11-related disorder (PMID:27050426). It is absent or not present at a significant frequency in gnomAD. In silico models predict that this variant is possibly or probably damaging. In conclusion, we classify ABCB11 p.Pro77Ala (c.229C>G) as a variant of uncertain significance.

Literature cited by the submitters: PubMed 27050426.

NM_003742.4(ABCB11):c.229C>G (p.Pro77Ala)

Gene: ABCB11 (ATP binding cassette subfamily B member 11; minus strand). Cytogenetic location: 2q31.1.
Variant type: single nucleotide variant.
Coding change: c.229C>G on transcript NM_003742.4 (MANE Select); coding-DNA position 229, C replaced by G.
Protein change: p.Pro77Ala; replaces proline 77 with alanine.
Molecular consequence: missense variant.
Genome position (GRCh38, 1-based): chr2:169,013,432, G>C on the plus strand (C>G on the coding strand, the complement: ABCB11 is on the minus strand). VCF-style: chr2-169013432-G-C. GRCh37 (hg19) VCF-style: chr2-169869942-G-C.
Other names: short protein forms P77A.
Identifiers: ClinVar variation 4846117 (VCV004846117.1).